The following is an entry in ClinVar:

ClinVar aggregate classification (germline): Pathogenic (1 of 4 stars; one submission).

Submission:

GeneDx
Classification: Pathogenic. Last evaluated: 2024-11-22. Review status: criteria provided, single submitter. Criteria: GeneDx Variant Classification Process June 2021. Collection method: clinical testing. Allele origin: germline. Affected: yes.
Comment: Expression studies found that R107C is associated with no residual short chain acyl-CoA dehydrogenase activity (PMID: 21170680); In silico analysis supports a deleterious effect on protein structure/function; This variant is associated with the following publications: (PMID: 1692038, 18054510, 24485985, 21170680)

NM_000017.4(ACADS):c.319_321delinsTGC (p.Arg107Cys)

Gene: ACADS (acyl-CoA dehydrogenase short chain; plus strand). Cytogenetic location: 12q24.31.
Variant type: Indel.
Coding change: c.319_321delinsTGC on transcript NM_000017.4 (MANE Select); coding-DNA positions 319 to 321, CGT replaced by TGC.
Protein change: p.Arg107Cys; replaces arginine 107 with cysteine.
Molecular consequence: missense variant.
Genome position (GRCh38, 1-based): chr12:120,737,094-120,737,096, CGT replaced by TGC. VCF-style: chr12-120737094-CGT-TGC. GRCh37 (hg19) VCF-style: chr12-121174897-CGT-TGC.
Other names: c.319_321delinsTGC, p.Arg107Cys (NM_001302554.2); c.319_321delCGTinsTGC (NM_000017.2); c.319_321delinsTGC (NM_000017.2); short protein forms R107C.
Identifiers: ClinVar variation 421618 (VCV000421618.3), dbSNP rs1064795254, ClinGen allele CA16619448.